The following is an entry in ClinVar:

ClinVar aggregate classification (germline): Uncertain significance. Review status: criteria provided, multiple submitters, no conflicts (2 of 4 stars). 7 submissions from 7 submitters: Uncertain significance (7). Last evaluated 2026-01-27.

Conditions:
Arrhythmogenic cardiomyopathy with wooly hair and keratoderma. Also called: Arrhythmogenic cardiomyopathy with woolly hair and keratoderma; PALMOPLANTAR KERATODERMA WITH LEFT VENTRICULAR CARDIOMYOPATHY AND WOOLLY HAIR; Dilated cardiomyopathy with woolly hair and keratoderma; Carvajal syndrome. Identifiers: Orphanet 65282, MedGen C1854063, MONDO:0011581, OMIM 605676.
Arrhythmogenic right ventricular dysplasia 8 (ARVD8). Also called: Arrhythmogenic Right Ventricular Dysplasia/Cardiomyopathy 8; ARRHYTHMOGENIC RIGHT VENTRICULAR DYSPLASIA, FAMILIAL, 8; ARRHYTHMOGENIC RIGHT VENTRICULAR CARDIOMYOPATHY 8. Identifiers: MedGen C1843896, MONDO:0011831, OMIM 607450.
Cardiovascular phenotype. Identifiers: MedGen CN230736.
Cardiomyopathy (CMYO). Also called: Cardiomyopathies. Identifiers: Orphanet 167848, MedGen C0878544, MONDO:0004994, HP:0001638. Inheritance: Various modes of inheritance.

Allele frequency attached by ClinVar (database versions not stated): gnomAD exomes below 0.00001 and 0.00002; TOPMed below 0.00001.
gnomAD v4.1: 26 of 1,614,110 alleles (0.0016%); highest among the groups gnomAD compares: Non-Finnish European, 0.002%; no homozygotes.

Submissions (7):

Dasa
Classification: Uncertain significance for Arrhythmogenic cardiomyopathy with wooly hair and keratoderma. Last evaluated: 2026-01-27. Review status: criteria provided, single submitter. Criteria: DASA Assertion Criteria. Collection method: clinical testing. Allele origin: germline.
Comment: NM_004415.4(DSP):c.8276G>A (p.Arg2759His) is a missense variant that results in the substitution of arginine with histidine. This variant is rare in population databases. The currently available literature and clinical evidence are not sufficient to establish a definitive association between this variant and the reported condition. Therefore, this variant is classified as a variant of uncertain significance.

Labcorp Genetics (formerly Invitae), Labcorp
Classification: Uncertain significance for Arrhythmogenic cardiomyopathy with wooly hair and keratoderma; Arrhythmogenic right ventricular dysplasia 8. Last evaluated: 2026-01-18. Review status: criteria provided, single submitter. Criteria: Invitae Variant Classification Sherloc (09022015). Collection method: clinical testing. Allele origin: germline.
Comment: This sequence change replaces arginine, which is basic and polar, with histidine, which is basic and polar, at codon 2759 of the DSP protein (p.Arg2759His). This variant is present in population databases (no rsID available, gnomAD 0.0009%). This variant has not been reported in the literature in individuals affected with DSP-related conditions. ClinVar contains an entry for this variant (Variation ID: 836478). An algorithm developed to predict the effect of missense changes on protein structure and function (PolyPhen-2) suggests that this variant is likely to be disruptive. In summary, the available evidence is currently insufficient to determine the role of this variant in disease. Therefore, it has been classified as a Variant of Uncertain Significance.

Women's Health and Genetics/Laboratory Corporation of America, LabCorp
Classification: Uncertain significance. Last evaluated: 2025-05-09. Review status: criteria provided, single submitter. Criteria: LabCorp Variant Classification Summary - May 2015. Collection method: clinical testing. Allele origin: germline.
Comment: Variant summary: DSP c.8276G>A (p.Arg2759His) results in a non-conservative amino acid change in the encoded protein sequence. Algorithms developed to predict the effect of missense changes on protein structure and function are either unavailable or do not agree on the potential impact of this missense change. The variant allele was found at a frequency of 4e-06 in 251304 control chromosomes. The available data on variant occurrences in the general population are insufficient to allow any conclusion about variant significance. To our knowledge, no occurrence of c.8276G>A in individuals affected with Arrhythmogenic Right Ventricular Dysplasia/Cardiomyopathy and no experimental evidence demonstrating its impact on protein function have been reported. ClinVar contains an entry for this variant (Variation ID: 836478). Based on the evidence outlined above, the variant was classified as uncertain significance.

GeneDx
Classification: Uncertain significance. Last evaluated: 2023-09-19. Review status: criteria provided, single submitter. Criteria: GeneDx Variant Classification Process June 2021. Collection method: clinical testing. Allele origin: germline. Affected: yes.
Comment: Not observed at significant frequency in large population cohorts (gnomAD); In silico analysis supports that this missense variant has a deleterious effect on protein structure/function; Has not been previously published as pathogenic or benign to our knowledge; This variant is associated with the following publications: (PMID: 32155531)

All of Us Research Program, National Institutes of Health
Classification: Uncertain significance for Arrhythmogenic cardiomyopathy with wooly hair and keratoderma. Last evaluated: 2023-04-03. Review status: criteria provided, single submitter. Criteria: ACMG Guidelines, 2015. Collection method: clinical testing. Allele origin: germline. Inheritance: Autosomal dominant inheritance. Observed: 2 variant alleles, 2 heterozygotes.
Comment: This missense variant replaces arginine with histidine at codon 2759 of the DSP protein. Computational prediction suggests that this variant may not impact protein structure and function (internally defined REVEL score threshold <= 0.5, PMID: 27666373). To our knowledge, functional studies have not been reported for this variant. This variant has not been reported in individuals affected with cardiovascular disorders in the literature. This variant has been identified in 1/251304 chromosomes in the general population by the Genome Aggregation Database (gnomAD). The available evidence is insufficient to determine the role of this variant in disease conclusively. Therefore, this variant is classified as a Variant of Uncertain Significance.

This study involves interpretation of variants in research participants for the purpose of population health screening. Participant phenotype was not available at the time of variant classification. Additional details can be found in publication PMID: 35346344, PMCID: PMC8962531

Color Diagnostics, LLC DBA Color Health
Classification: Uncertain significance for Cardiomyopathy. Last evaluated: 2023-03-09. Review status: criteria provided, single submitter. Criteria: ACMG Guidelines, 2015. Collection method: clinical testing. Allele origin: germline.
Comment: This missense variant replaces arginine with histidine at codon 2759 of the DSP protein. Computational prediction suggests that this variant may not impact protein structure and function (internally defined REVEL score threshold <= 0.5, PMID: 27666373). To our knowledge, functional studies have not been reported for this variant. This variant has not been reported in individuals affected with cardiovascular disorders in the literature. This variant has been identified in 1/251304 chromosomes in the general population by the Genome Aggregation Database (gnomAD). The available evidence is insufficient to determine the role of this variant in disease conclusively. Therefore, this variant is classified as a Variant of Uncertain Significance.

Ambry Genetics
Classification: Uncertain significance for Cardiovascular phenotype. Last evaluated: 2022-05-18. Review status: criteria provided, single submitter. Criteria: Ambry Variant Classification Scheme 2023. Collection method: clinical testing. Allele origin: germline.
Comment: The p.R2759H variant (also known as c.8276G>A), located in coding exon 24 of the DSP gene, results from a G to A substitution at nucleotide position 8276. The arginine at codon 2759 is replaced by histidine, an amino acid with highly similar properties. This amino acid position is conserved. In addition, the in silico prediction for this alteration is inconclusive. Since supporting evidence is limited at this time, the clinical significance of this alteration remains unclear.

NM_004415.4(DSP):c.8276G>A (p.Arg2759His)

Gene: DSP (desmoplakin; plus strand). Cytogenetic location: 6p24.3.
Variant type: single nucleotide variant.
Coding change: c.8276G>A on transcript NM_004415.4 (MANE Select); coding-DNA position 8276, G replaced by A.
Protein change: p.Arg2759His; replaces arginine 2759 with histidine.
Molecular consequence: missense variant.
Genome position (GRCh38, 1-based): chr6:7,585,538, G>A. VCF-style: chr6-7585538-G-A. GRCh37 (hg19) VCF-style: chr6-7585771-G-A.
Other names: c.6479G>A, p.Arg2160His (NM_001008844.3); c.6947G>A, p.Arg2316His (NM_001319034.2); short protein forms R2160H, R2316H, R2759H.
Identifiers: ClinVar variation 836478 (VCV000836478.21), dbSNP rs936541705, ClinGen allele CA133977642.